The following is an entry in ClinVar:

NM_182914.3(SYNE2):c.12811G>A (p.Val4271Met)

Gene: SYNE2 (spectrin repeat containing nuclear envelope protein 2; plus strand). Cytogenetic location: 14q23.2.
Variant type: single nucleotide variant.
Coding change: c.12811G>A on transcript NM_182914.3 (MANE Select); coding-DNA position 12811, G replaced by A.
Protein change: p.Val4271Met; replaces valine 4271 with methionine.
Molecular consequence: missense variant.
Genome position (GRCh38, 1-based): chr14:64,113,542, G>A. VCF-style: chr14-64113542-G-A. GRCh37 (hg19) VCF-style: chr14-64580260-G-A.
Other names: c.12811G>A, p.Val4271Met (NM_015180.6); short protein forms V4271M.
Identifiers: ClinVar variation 3669195 (VCV003669195.2).

ClinVar aggregate classification (germline): Uncertain significance (1 of 4 stars; one submission).

Conditions:
Emery-Dreifuss muscular dystrophy 5, autosomal dominant (EDMD5). Also called: EMERY-DREIFUSS MUSCULAR DYSTROPHY 5. Identifiers: Orphanet 261, MedGen C2751805, MONDO:0013072, OMIM 612999.

gnomAD v4.1: 5 of 1,612,324 alleles (0.00031%); highest among the groups gnomAD compares: Non-Finnish European, 0.00042%; no homozygotes.

Submission:

Labcorp Genetics (formerly Invitae), Labcorp
Classification: Uncertain significance for Emery-Dreifuss muscular dystrophy 5, autosomal dominant. Last evaluated: 2024-11-29. Review status: criteria provided, single submitter. Criteria: Invitae Variant Classification Sherloc (09022015). Collection method: clinical testing. Allele origin: germline.
Comment: This sequence change replaces valine, which is neutral and non-polar, with methionine, which is neutral and non-polar, at codon 4271 of the SYNE2 protein (p.Val4271Met). This variant is not present in population databases (gnomAD no frequency). This variant has not been reported in the literature in individuals affected with SYNE2-related conditions. An algorithm developed to predict the effect of missense changes on protein structure and function outputs the following: PolyPhen-2: "Possibly Damaging". The methionine amino acid residue is found in multiple mammalian species, which suggests that this missense change does not adversely affect protein function. In summary, the available evidence is currently insufficient to determine the role of this variant in disease. Therefore, it has been classified as a Variant of Uncertain Significance.